The following is an entry in ClinVar:

ClinVar aggregate classification (germline): Uncertain significance (1 of 4 stars; one submission).

Conditions:
Epilepsy, familial adult myoclonic, 5 (EPEO5). Also called: CORTICAL MYOCLONIC TREMOR WITH EPILEPSY, FAMILIAL, 5. Identifiers: Orphanet 86814, MedGen C3809374, MONDO:0014167, OMIM 615400.

Allele frequency attached by ClinVar (database versions not stated): gnomAD exomes below 0.00001; gnomAD 0.00001; TOPMed 0.00001.
gnomAD v4.1: 8 of 1,613,514 alleles (0.0005%); highest among the groups gnomAD compares: African/African-American, 0.0013%; no homozygotes.

Submission:

Labcorp Genetics (formerly Invitae), Labcorp
Classification: Uncertain significance for Epilepsy, familial adult myoclonic, 5. Last evaluated: 2022-02-04. Review status: criteria provided, single submitter. Criteria: Invitae Variant Classification Sherloc (09022015). Collection method: clinical testing. Allele origin: germline.
Comment: This sequence change replaces arginine, which is basic and polar, with cysteine, which is neutral and slightly polar, at codon 789 of the CNTN2 protein (p.Arg789Cys). This variant is not present in population databases (gnomAD no frequency). This variant has not been reported in the literature in individuals affected with CNTN2-related conditions. ClinVar contains an entry for this variant (Variation ID: 1011996). Advanced modeling of protein sequence and biophysical properties (such as structural, functional, and spatial information, amino acid conservation, physicochemical variation, residue mobility, and thermodynamic stability) performed at Invitae indicates that this missense variant is not expected to disrupt CNTN2 protein function. In summary, the available evidence is currently insufficient to determine the role of this variant in disease. Therefore, it has been classified as a Variant of Uncertain Significance.

NM_005076.5(CNTN2):c.2365C>T (p.Arg789Cys)

Gene: CNTN2 (contactin 2; plus strand). Cytogenetic location: 1q32.1.
Variant type: single nucleotide variant.
Coding change: c.2365C>T on transcript NM_005076.5 (MANE Select); coding-DNA position 2365, C replaced by T.
Protein change: p.Arg789Cys; replaces arginine 789 with cysteine.
Molecular consequence: missense variant. On other transcripts: non-coding transcript variant (1).
Genome position (GRCh38, 1-based): chr1:205,069,995, C>T. VCF-style: chr1-205069995-C-T. GRCh37 (hg19) VCF-style: chr1-205039123-C-T.
Other names: c.2365C>T, p.Arg789Cys (NM_001346083.2); short protein forms R789C.
Identifiers: ClinVar variation 1011996 (VCV001011996.8), dbSNP rs1330386390, ClinGen allele CA344379135.
Genomic context (GRCh38, chr1:205,069,995, plus strand): 5'-CAGTACTTTGTCTACAGCAACGAGAGCGTCCGGCCCTACACGCCCTTTGAGGTCAAGATC[C>T]GCAGCTACAACCGCCGCGGGGATGGGCCCGAGAGCCTCACTGCACTCGTGTACTCAGCTG-3'
Protein context (NP_005067.1, residues 779-799): RPYTPFEVKI[Arg789Cys]SYNRRGDGPE